The following is an entry in ClinVar:

NM_001009944.3(PKD1):c.8502del (p.Phe2836fs)

Gene: PKD1 (polycystin 1, transient receptor potential channel interacting; minus strand). Cytogenetic location: 16p13.3.
Variant type: Deletion.
Coding change: c.8502del on transcript NM_001009944.3 (MANE Select); coding-DNA position 8502, one base deleted (T; older notation c.8502delT).
Protein change: p.Phe2836fs; shifts the reading frame from phenylalanine 2836.
Molecular consequence: frameshift variant.
Genome position (GRCh38, 1-based): chr16:2,103,555, A deleted on the plus strand (T on the coding strand, the reverse complement: PKD1 is on the minus strand); the first of 3 consecutive A bases (chr16:2,103,555-2,103,557); deleting any one gives the same sequence. VCF-style (leftmost placement, unchanged base first): chr16-2103554-GA-G. GRCh37 (hg19) VCF-style: chr16-2153555-GA-G.
Other names: c.8502del, p.Phe2836fs (NM_000296.4); short protein forms F2836fs.
Identifiers: ClinVar variation 3335870 (VCV003335870.2).

ClinVar aggregate classification (germline): Pathogenic (1 of 4 stars; one submission).

Conditions:
Polycystic kidney disease, adult type (PKD1). Also called: Polycystic Kidney, Autosomal Dominant; POLYCYSTIC KIDNEY DISEASE 1 WITH OR WITHOUT POLYCYSTIC LIVER DISEASE; POLYCYSTIC KIDNEY DISEASE, ADULT, TYPE I; Polycystic Kidney Disease 1, Autosomal Dominant; Polycystic kidney disease 1; Polycystic kidney disease 1, severe. Identifiers: MedGen C3149841, MONDO:0008263, OMIM 173900.

Submission:

Juno Genomics, Hangzhou Juno Genomics, Inc
Classification: Pathogenic for Polycystic kidney disease, adult type. Review status: criteria provided, single submitter. Criteria: ACMG Guidelines, 2015. Collection method: clinical testing. Allele origin: germline. Affected: yes.
Comment: Null variant in a gene where loss of function (LOF) is a known mechanism of disease.;Absent from controls (or at extremely low frequency if recessive) in Genome Aggregation Database, Exome Sequencing Project, 1000 Genomes Project, or Exome Aggregation Consortium.;The prevalence of the variant in affected individuals is significantly increased compared to the prevalence in controls.;Patient's phenotype or family history is highly specific for a disease with a single genetic etiology.